The following is an entry in ClinVar:

NM_002458.3(MUC5B):c.14484A>G (p.Thr4828=)

Gene: MUC5B (mucin 5B, oligomeric mucus/gel-forming; plus strand). Cytogenetic location: 11p15.5.
Variant type: single nucleotide variant.
Coding change: c.14484A>G on transcript NM_002458.3 (MANE Select); coding-DNA position 14484, A replaced by G.
Protein change: p.Thr4828=; no amino-acid change (threonine 4828 retained).
Molecular consequence: synonymous variant.
Genome position (GRCh38, 1-based): chr11:1,251,364, A>G. VCF-style: chr11-1251364-A-G. GRCh37 (hg19) VCF-style: chr11-1272594-A-G.
Identifiers: ClinVar variation 403194 (VCV000403194.28), dbSNP rs199583764, ClinGen allele CA5808691.
Genomic context (GRCh38, chr11:1,251,364, plus strand): 5'-ACCCTCCTCCACTCTGGGGACGACCCGGATCCTCACTGAGCTGACCACAACAGCCACTAC[A>G]ACTGCAGCCACTGGATCCACGGCCACCCTGTCCTCCACCCCAGGGACCACCTGGATCCTC-3'
Protein context (NP_002449.2, residues 4818-4838): ILTELTTTAT[Thr4828=]TAATGSTATL

ClinVar aggregate classification (germline): Likely benign. Review status: criteria provided, multiple submitters, no conflicts (2 of 4 stars). 3 submissions from 3 submitters: Likely benign (3). Last evaluated 2026-08-01.

Allele frequency attached by ClinVar (database versions not stated): gnomAD 0.00001 and 0.00002; gnomAD exomes 0.00001; ExAC 0.00004; ESP Exome Variant Server 0.00870.
gnomAD v4.1: 13 of 1,531,724 alleles (0.00085%); highest among the groups gnomAD compares: Admixed American, 0.0084%; no homozygotes.

Submissions (3):

CeGaT Center for Human Genetics Tuebingen
Classification: Likely benign. Last evaluated: 2026-08-01. Review status: criteria provided, single submitter. Criteria: CeGaT Center For Human Genetics Tuebingen Variant Classification Criteria Version 2. Collection method: clinical testing. Allele origin: germline. Affected: yes. Observed: 9 variant alleles.
Comment: MUC5B: BP4, BP7

Laboratory for Molecular Medicine, Mass General Brigham Personalized Medicine
Classification: Likely benign. Last evaluated: 2016-03-28. Review status: criteria provided, single submitter. Criteria: LMM Criteria. Collection method: clinical testing. Allele origin: germline.
Comment: Variant identified in a genome or exome case(s) and assessed due to predicted null impact of the variant or pathogenic assertions in the literature or databases. Disclaimer: This variant has not undergone full assessment. The following are preliminary notes: Frequency

Breakthrough Genomics
Classification: Likely benign. Review status: criteria provided, single submitter. Criteria: ACMG Guidelines, 2015. Collection method: not provided. Allele origin: germline. Inheritance: Autosomal dominant inheritance. Affected: yes.